The following is an entry in ClinVar:

NM_002160.4(TNC):c.969C>A (p.Gly323=)

Gene: TNC (tenascin C; minus strand). Cytogenetic location: 9q33.1.
Variant type: single nucleotide variant.
Coding change: c.969C>A on transcript NM_002160.4 (MANE Select); coding-DNA position 969, C replaced by A.
Protein change: p.Gly323=; no amino-acid change (glycine 323 retained).
Molecular consequence: synonymous variant.
Genome position (GRCh38, 1-based): chr9:115,086,762, G>T on the plus strand (C>A on the coding strand, the complement: TNC is on the minus strand). VCF-style: chr9-115086762-G-T. GRCh37 (hg19) VCF-style: chr9-117849041-G-T.
Other names: c.969C>A, p.Gly323= (NM_001410991.1).
Identifiers: ClinVar variation 1695261 (VCV001695261.31), dbSNP rs1834778495, ClinGen allele CA466914320.

ClinVar aggregate classification (germline): Likely benign (1 of 4 stars; one submission).

gnomAD v4.1: 12 of 1,613,772 alleles (0.00074%); highest among the groups gnomAD compares: Non-Finnish European, 0.001%; no homozygotes.

Submission:

CeGaT Center for Human Genetics Tuebingen
Classification: Likely benign. Last evaluated: 2022-06-01. Review status: criteria provided, single submitter. Criteria: CeGaT Center For Human Genetics Tuebingen Variant Classification Criteria Version 2. Collection method: clinical testing. Allele origin: germline. Affected: yes. Observed: 1 variant allele.
Comment: TNC: PM2:Supporting, BP4, BP7